The following is an entry in ClinVar:

NM_198525.3(KIF7):c.3433C>T (p.Gln1145Ter)

Genes: KIF7 (kinesin family member 7; minus strand), LOC126862216 (BRD4-independent group 4 enhancer GRCh37_chr15:90171995-90173194; plus strand). Cytogenetic location: 15q26.1.
Variant type: single nucleotide variant.
Coding change: c.3433C>T on transcript NM_198525.3 (MANE Select); coding-DNA position 3433, C replaced by T.
Protein change: p.Gln1145Ter; replaces glutamine 1145 with a stop codon.
Molecular consequence: nonsense.
Genome position (GRCh38, 1-based): chr15:89,629,459, G>A on the plus strand (C>T on the coding strand, the complement: KIF7 is on the minus strand). VCF-style: chr15-89629459-G-A. GRCh37 (hg19) VCF-style: chr15-90172690-G-A.
Other names: short protein forms Q1145*.
Identifiers: ClinVar variation 2912907 (VCV002912907.4), dbSNP rs1204832680, ClinGen allele CA393755486.

ClinVar aggregate classification (germline): Pathogenic/Likely pathogenic. Review status: criteria provided, multiple submitters, no conflicts (2 of 4 stars). 2 submissions from 2 submitters: Pathogenic (1); Likely pathogenic (1). Last evaluated 2023-10-23.

Conditions:
Acrocallosal syndrome (ACLS). Also called: Schinzel syndrome 1; Absence of corpus callosum with unusual facial appearance, mental deficiency, duplication of the halluces and polydactyly; HALLUX DUPLICATION, POSTAXIAL POLYDACTYLY, AND ABSENCE OF CORPUS CALLOSUM. Identifiers: Orphanet 36, MedGen C0796147, MONDO:0008708, OMIM 200990.
KIF7-related disorder. Also called: KIF7-related condition.

Allele frequency attached by ClinVar (database versions not stated): gnomAD 0.00001; TOPMed 0.00001; gnomAD exomes 0.00003.
gnomAD v4.1: 50 of 1,609,650 alleles (0.0031%); highest among the groups gnomAD compares: Non-Finnish European, 0.0042%; no homozygotes.

Submissions (2):

Labcorp Genetics (formerly Invitae), Labcorp
Classification: Pathogenic for Acrocallosal syndrome. Last evaluated: 2023-10-23. Review status: criteria provided, single submitter. Criteria: Invitae Variant Classification Sherloc (09022015). Collection method: clinical testing. Allele origin: germline.
Comment: This sequence change creates a premature translational stop signal (p.Gln1145*) in the KIF7 gene. It is expected to result in an absent or disrupted protein product. Loss-of-function variants in KIF7 are known to be pathogenic (PMID: 19666503, 21552264, 21633164, 26648833). The frequency data for this variant in the population databases is considered unreliable, as metrics indicate poor data quality at this position in the gnomAD database. This variant has not been reported in the literature in individuals affected with KIF7-related conditions. For these reasons, this variant has been classified as Pathogenic.

Blueprint Genetics
Classification: Likely pathogenic for KIF7-related disorders. Last evaluated: 2020-10-27. Review status: criteria provided, single submitter. Criteria: ACMG Guidelines, 2015. Collection method: clinical testing. Allele origin: germline. Affected: yes. Observed: 3 variant alleles.

Literature cited by the submitters: PubMed 19666503 (cited by Labcorp Genetics (formerly Invitae), Labcorp); PubMed 21552264 (cited by Labcorp Genetics (formerly Invitae), Labcorp); PubMed 21633164 (cited by Labcorp Genetics (formerly Invitae), Labcorp); PubMed 26648833 (cited by Labcorp Genetics (formerly Invitae), Labcorp).